The following is an entry in ClinVar:

NM_000053.4(ATP7B):c.1605_1609dup (p.Ile537fs)

Gene: ATP7B (ATPase copper transporting beta; minus strand). Cytogenetic location: 13q14.3.
Variant type: Duplication.
Coding change: c.1605_1609dup on transcript NM_000053.4 (MANE Select); coding-DNA positions 1605 to 1609, 5 bases duplicated (GGTCA; older notation c.1605_1609dupGGTCA).
Protein change: p.Ile537fs; shifts the reading frame from isoleucine 537.
Molecular consequence: frameshift variant.
Genome position (GRCh38, 1-based): chr13:51,968,542-51,968,546, TGACC duplicated on the plus strand (GGTCA on the coding strand, the reverse complement: ATP7B is on the minus strand); duplicating any 5 consecutive bases within chr13:51,968,542-51,968,547 gives the same sequence; the c. name uses the placement nearest the transcript's 3' end. VCF-style (leftmost placement, unchanged base first): chr13-51968541-A-ATGACC. GRCh37 (hg19) VCF-style: chr13-52542677-A-ATGACC.
Other names: p.Ile537Argfs*8; c.1605_1609dup, p.Ile537fs (NM_001005918.3, NM_001330578.2, NM_001330579.2); c.1272_1276dup, p.Ile426fs (NM_001243182.2); short protein forms I426fs, I537fs.
Identifiers: ClinVar variation 285862 (VCV000285862.7), dbSNP rs886043238, ClinGen allele CA10605278.

ClinVar aggregate classification (germline): Pathogenic/Likely pathogenic. Review status: criteria provided, multiple submitters, no conflicts (2 of 4 stars). 2 submissions from 2 submitters: Pathogenic (1); Likely pathogenic (1). Last evaluated 2025-08-13.

Submissions (2):

Mayo Clinic Laboratories, Mayo Clinic
Classification: Likely pathogenic. Last evaluated: 2025-08-13. Review status: criteria provided, single submitter. Criteria: ACMG Guidelines, 2015. Collection method: clinical testing. Allele origin: germline. Observed: 1 variant allele.
Comment: PM2_supporting, PVS1

Eurofins Ntd Llc (ga)
Classification: Pathogenic. Last evaluated: 2016-02-10. Review status: criteria provided, single submitter. Criteria: EGL Classification Definitions. Collection method: clinical testing. Allele origin: germline. Observed: 3 variant alleles, 1 heterozygote.